The following is an entry in ClinVar:

ClinVar aggregate classification (germline): Uncertain significance (1 of 4 stars; one submission).

Conditions:
Hereditary spastic paraplegia 31. Also called: SPASTIC PARAPLEGIA 31, AUTOSOMAL DOMINANT. Identifiers: Orphanet 101011, MedGen C1853247, MONDO:0012453, OMIM 610250.

Allele frequency attached by ClinVar (database versions not stated): gnomAD exomes below 0.00001; gnomAD 0.00001; TOPMed 0.00002.
gnomAD v4.1: 7 of 1,613,932 alleles (0.00043%); highest among the groups gnomAD compares: South Asian, 0.0011%; no homozygotes.

Submission:

Labcorp Genetics (formerly Invitae), Labcorp
Classification: Uncertain significance for Hereditary spastic paraplegia 31. Last evaluated: 2022-10-25. Review status: criteria provided, single submitter. Criteria: Invitae Variant Classification Sherloc (09022015). Collection method: clinical testing. Allele origin: germline.
Comment: Algorithms developed to predict the effect of missense changes on protein structure and function (SIFT, PolyPhen-2, Align-GVGD) all suggest that this variant is likely to be tolerated. In summary, the available evidence is currently insufficient to determine the role of this variant in disease. Therefore, it has been classified as a Variant of Uncertain Significance. ClinVar contains an entry for this variant (Variation ID: 1474093). This sequence change replaces arginine, which is basic and polar, with glutamine, which is neutral and polar, at codon 113 of the REEP1 protein (p.Arg113Gln). This variant is present in population databases (no rsID available, gnomAD 0.002%). This variant has not been reported in the literature in individuals affected with REEP1-related conditions.

NM_001371279.1(REEP1):c.338G>A (p.Arg113Gln)

Gene: REEP1 (receptor accessory protein 1; minus strand). Cytogenetic location: 2p11.2.
Variant type: single nucleotide variant.
Coding change: c.338G>A on transcript NM_001371279.1 (MANE Select); coding-DNA position 338, G replaced by A.
Protein change: p.Arg113Gln; replaces arginine 113 with glutamine.
Molecular consequence: missense variant. On other transcripts: intron variant (1).
Genome position (GRCh38, 1-based): chr2:86,252,036, C>T on the plus strand (G>A on the coding strand, the complement: REEP1 is on the minus strand). VCF-style: chr2-86252036-C-T. GRCh37 (hg19) VCF-style: chr2-86479159-C-T.
Other names: c.359G>A, p.Arg120Gln (NM_001164730.2); c.257G>A, p.Arg86Gln (NM_001164731.2); c.338G>A, p.Arg113Gln (NM_001371280.1, NM_022912.3); c.182+11929G>A (NM_001164732.2); short protein forms R120Q, R113Q, R86Q.
Identifiers: ClinVar variation 1474093 (VCV001474093.8), dbSNP rs985433681, ClinGen allele CA51436082.